The following is an entry in ClinVar:

NC_000011.9:g.(?_88960971)_(88961158_?)del

Gene: TYR (tyrosinase; plus strand). Cytogenetic location: 11q14.3.
Variant type: Deletion.
Identifiers: ClinVar variation 1403532 (VCV001403532.7).

ClinVar aggregate classification (germline): Pathogenic (1 of 4 stars; one submission).

Submission:

Labcorp Genetics (formerly Invitae), Labcorp
Classification: Pathogenic. Last evaluated: 2023-12-30. Review status: criteria provided, single submitter. Criteria: Invitae Variant Classification Sherloc (09022015). Collection method: clinical testing. Allele origin: germline.
Comment: This variant is a gross deletion of the genomic region encompassing exon(s) 3 of the TYR gene. While this deletion is not anticipated to lead to nonsense mediated decay, it is expected to disrupt the C-terminus of the protein. A similar copy number variant has been observed in individual(s) with TYR-related conditions (PMID: 27734839). This variant disrupts a region of the TYR protein in which other variant(s) (p.Ala490Cysfs*20) have been determined to be pathogenic (PMID: 1642278, 1711223, 13680365, 18463683). This suggests that this is a clinically significant region of the protein, and that variants that disrupt it are likely to be disease-causing. For these reasons, this variant has been classified as Pathogenic.

Literature cited by the submitters: PubMed 27734839; PubMed 1642278; PubMed 1711223; PubMed 13680365; PubMed 18463683.